The following is an entry in ClinVar:

ClinVar aggregate classification (germline): Uncertain significance (1 of 4 stars; one submission).

Conditions:
Congenital myasthenic syndrome 8. Also called: MYASTHENIC SYNDROME, CONGENITAL, DUE TO AGRIN DEFICIENCY; Myasthenic syndrome, congenital, 8, with pre- and postsynaptic defects. Identifiers: Orphanet 590, MedGen C3808739, MONDO:0014052, OMIM 615120.

Submission:

Labcorp Genetics (formerly Invitae), Labcorp
Classification: Uncertain significance for Congenital myasthenic syndrome 8. Last evaluated: 2022-05-12. Review status: criteria provided, single submitter. Criteria: Invitae Variant Classification Sherloc (09022015). Collection method: clinical testing. Allele origin: germline.
Comment: In summary, the available evidence is currently insufficient to determine the role of this variant in disease. Therefore, it has been classified as a Variant of Uncertain Significance. Algorithms developed to predict the effect of missense changes on protein structure and function are either unavailable or do not agree on the potential impact of this missense change (SIFT: "Deleterious"; PolyPhen-2: "Possibly Damaging"; Align-GVGD: "Class C0"). This variant has not been reported in the literature in individuals affected with AGRN-related conditions. This variant is not present in population databases (gnomAD no frequency). This sequence change replaces leucine, which is neutral and non-polar, with proline, which is neutral and non-polar, at codon 1721 of the AGRN protein (p.Leu1721Pro).

NM_198576.4(AGRN):c.5162T>C (p.Leu1721Pro)

Genes: AGRN (agrin; plus strand), LOC129929078 (ATAC-STARR-seq lymphoblastoid silent region 24; plus strand). Cytogenetic location: 1p36.33.
Variant type: single nucleotide variant.
Coding change: c.5162T>C on transcript NM_198576.4 (MANE Select); coding-DNA position 5162, T replaced by C.
Protein change: p.Leu1721Pro; replaces leucine 1721 with proline.
Molecular consequence: missense variant.
Genome position (GRCh38, 1-based): chr1:1,050,746, T>C. VCF-style: chr1-1050746-T-C. GRCh37 (hg19) VCF-style: chr1-986126-T-C.
Other names: c.5162T>C, p.Leu1721Pro (NM_001305275.2); c.4847T>C, p.Leu1616Pro (NM_001364727.2); short protein forms L1721P, L1616P.
Identifiers: ClinVar variation 1966093 (VCV001966093.5), dbSNP rs2522792474, ClinGen allele CA337780947.